The following is an entry in ClinVar:

NM_032581.4(HYCC1):c.*372G>C

Gene: HYCC1 (hyccin PI4KA lipid kinase complex subunit 1; minus strand). Cytogenetic location: 7p15.3.
Variant type: single nucleotide variant.
Coding change: c.*372G>C on transcript NM_032581.4 (MANE Select); 372 bases downstream of the stop codon, G replaced by C.
Molecular consequence: 3 prime UTR variant.
Genome position (GRCh38, 1-based): chr7:22,945,217, C>G on the plus strand (G>C on the coding strand, the complement: HYCC1 is on the minus strand). VCF-style: chr7-22945217-C-G. GRCh37 (hg19) VCF-style: chr7-22984836-C-G.
Other names: c.*974G>C (NM_001363466.2); c.*932G>C (NM_001363467.2).
Identifiers: ClinVar variation 359761 (VCV000359761.5), dbSNP rs192651934, ClinGen allele CA10628930.
Genomic context (GRCh38, chr7:22,945,217, plus strand): 5'-CCCATACATGCAGACTCCCTTTGACTCTGAAGGCCAAACACACAGCCATCAAAATAGGAG[C>G]TATTAAAAAACCAAACCAAACCAAAACAAGAAAAACCACCTTACAACCTCACATGAGACA-3'

ClinVar aggregate classification (germline): Likely benign (1 of 4 stars; one submission).

Conditions:
Hypomyelination and Congenital Cataract (HLD5). Also called: hypomyelinating leukodystrophy 5. Identifiers: Orphanet 85163, MedGen C1864663, MONDO:0012514, OMIM 610532.

Allele frequency attached by ClinVar (database versions not stated): TOPMed 0.00254; gnomAD 0.00366 and 0.00395; 1000 Genomes Project 0.00479; 1000 Genomes Project 30x 0.00484; gnomAD exomes 0.00514.
gnomAD v4.1: 1,331 of 292,748 alleles (0.45%); highest among the groups gnomAD compares: South Asian, 1.2%; 13 homozygotes.

Submission:

Illumina Laboratory Services, Illumina
Classification: Likely benign for Hypomyelination and Congenital Cataract. Last evaluated: 2018-01-12. Review status: criteria provided, single submitter. Criteria: ICSL Variant Classification Criteria 13 December 2019. Collection method: clinical testing. Allele origin: germline.
Comment: This variant was observed in the ICSL laboratory as part of a predisposition screen in an ostensibly healthy population. It had not been previously curated by ICSL or reported in the Human Gene Mutation Database (HGMD: prior to June 1st, 2018), and was therefore a candidate for classification through an automated scoring system. Utilizing variant allele frequency, disease prevalence and penetrance estimates, and inheritance mode, an automated score was calculated to assess if this variant is too frequent to cause the disease. Based on the score and internal cut-off values, a variant classified as likely benign is not then subjected to further curation. The score for this variant resulted in a classification of likely benign for this disease.